The following is an entry in ClinVar:

ClinVar aggregate classification (germline): Likely benign (0 of 4 stars; one submission).

Conditions:
NOBOX-related disorder. Also called: NOBOX-related condition.

gnomAD v4.1: 113 of 1,611,614 alleles (0.007%); highest among the groups gnomAD compares: African/African-American, 0.049%; no homozygotes.

Submission:

PreventionGenetics, part of Exact Sciences
Classification: Likely benign for NOBOX-related condition. Last evaluated: 2024-03-23. Review status: no assertion criteria provided. Collection method: clinical testing. Allele origin: germline.
Comment: This variant is classified as likely benign based on ACMG/AMP sequence variant interpretation guidelines (Richards et al. 2015 PMID: 25741868, with internal and published modifications).

NM_001436401.1(NOBOX):c.225G>A (p.Pro75=)

Gene: NOBOX (NOBOX oogenesis homeobox; minus strand). Cytogenetic location: 7q35.
Variant type: single nucleotide variant.
Coding change: c.225G>A on transcript NM_001436401.1 (MANE Select); coding-DNA position 225, G replaced by A.
Protein change: p.Pro75=; no amino-acid change (proline 75 retained).
Molecular consequence: synonymous variant. On other transcripts: intron variant (1).
Genome position (GRCh38, 1-based): chr7:144,401,410, C>T on the plus strand (G>A on the coding strand, the complement: NOBOX is on the minus strand). VCF-style: chr7-144401410-C-T. GRCh37 (hg19) VCF-style: chr7-144098503-C-T.
Other names: NM_001080413.3:c.480G>A; c.38-1098G>A (NM_001436402.1).
Identifiers: ClinVar variation 3354267 (VCV003354267.1).